The following is an entry in ClinVar:

ClinVar aggregate classification (germline): Conflicting classifications of pathogenicity. Review status: criteria provided, conflicting classifications (1 of 4 stars). 2 submissions from 2 submitters: Likely pathogenic (1); Uncertain significance (1). Last evaluated 2022-04-10.

Conditions:
Methylmalonic acidemia with homocystinuria, type cblJ (MAHCJ). Also called: METHYLMALONIC ACIDURIA AND HOMOCYSTINURIA, cblJ TYPE. Identifiers: Orphanet 369955, MedGen C3553915, MONDO:0013925, OMIM 614857.

Allele frequency attached by ClinVar (database versions not stated): TOPMed below 0.00001; gnomAD 0.00001.

Submissions (2):

Labcorp Genetics (formerly Invitae), Labcorp
Classification: Uncertain significance for Methylmalonic acidemia with homocystinuria, type cblJ. Last evaluated: 2022-04-10. Review status: criteria provided, single submitter. Criteria: Invitae Variant Classification Sherloc (09022015). Collection method: clinical testing. Allele origin: germline.
Comment: This variant is not present in population databases (gnomAD no frequency). This sequence change replaces glycine, which is neutral and non-polar, with arginine, which is basic and polar, at codon 186 of the ABCD4 protein (p.Gly186Arg). In summary, the available evidence is currently insufficient to determine the role of this variant in disease. Therefore, it has been classified as a Variant of Uncertain Significance. Advanced modeling of protein sequence and biophysical properties (such as structural, functional, and spatial information, amino acid conservation, physicochemical variation, residue mobility, and thermodynamic stability) performed at Invitae indicates that this missense variant is expected to disrupt ABCD4 protein function. ClinVar contains an entry for this variant (Variation ID: 976683). This variant has not been reported in the literature in individuals affected with ABCD4-related conditions.

Institute of Human Genetics Munich, TUM University Hospital
Classification: Likely pathogenic for Methylmalonic acidemia with homocystinuria, type cblJ. Last evaluated: 2020-07-16. Review status: criteria provided, single submitter. Criteria: Classification criteria August 2017. Collection method: clinical testing. Allele origin: germline. Inheritance: Autosomal recessive inheritance. Affected: yes. Observed: 1 compound heterozygote.

NM_005050.4(ABCD4):c.556G>A (p.Gly186Arg)

Gene: ABCD4 (ATP binding cassette subfamily D member 4; minus strand). Cytogenetic location: 14q24.3.
Variant type: single nucleotide variant.
Coding change: c.556G>A on transcript NM_005050.4 (MANE Select); coding-DNA position 556, G replaced by A.
Protein change: p.Gly186Arg; replaces glycine 186 with arginine.
Molecular consequence: missense variant. On other transcripts: 5 prime UTR variant (9), non-coding transcript variant (10), intron variant (2).
Genome position (GRCh38, 1-based): chr14:74,295,966, C>T on the plus strand (G>A on the coding strand, the complement: ABCD4 is on the minus strand). VCF-style: chr14-74295966-C-T. GRCh37 (hg19) VCF-style: chr14-74762669-C-T.
Other names: c.295G>A, p.Gly99Arg (NM_001353593.2, NM_001353594.2); c.142G>A, p.Gly48Arg (NM_001353595.2, NM_001353596.2, NM_001353597.2); c.79G>A, p.Gly27Arg (NM_001353598.2, NM_001353599.2, NM_001353600.2 and 2 more transcripts); c.-139G>A (NM_001353602.2, NM_001353603.2, NM_001353604.2 and 6 more transcripts); c.556G>A, p.Gly186Arg (NM_020325.3); c.542+367G>A (NM_001353591.2, NM_001353592.2); short protein forms G186R, G27R, G48R, G99R.
Identifiers: ClinVar variation 976683 (VCV000976683.8), dbSNP rs1410990711, ClinGen allele CA390377152.